The following is an entry in ClinVar:

NM_002693.3(POLG):c.3187_3188del (p.Ser1063fs)

Gene: POLG (DNA polymerase gamma, catalytic subunit; minus strand). Cytogenetic location: 15q26.1.
Variant type: Microsatellite.
Coding change: c.3187_3188del on transcript NM_002693.3 (MANE Select); coding-DNA positions 3187 to 3188, 2 bases deleted (AG; older notation c.3187_3188delAG).
Protein change: p.Ser1063fs; shifts the reading frame from serine 1063.
Molecular consequence: frameshift variant.
Genome position (GRCh38, 1-based): chr15:89,319,016-89,319,017, CT deleted on the plus strand (AG on the coding strand, the reverse complement: POLG is on the minus strand); deleting any 2 consecutive bases within chr15:89,319,016-89,319,020 gives the same sequence; the c. name uses the placement nearest the transcript's 3' end. VCF-style (leftmost placement, unchanged base first): chr15-89319015-GCT-G. GRCh37 (hg19) VCF-style: chr15-89862246-GCT-G.
Other names: c.3187_3188del, p.Ser1063fs (NM_001126131.2); short protein forms S1063fs.
Identifiers: ClinVar variation 2786212 (VCV002786212.3), dbSNP rs2509207448, ClinGen allele CA2739269667.

ClinVar aggregate classification (germline): Pathogenic (1 of 4 stars; one submission).

Conditions:
Progressive sclerosing poliodystrophy (MTDPS4A). Also called: ALPERS PROGRESSIVE INFANTILE POLIODYSTROPHY; NEURONAL DEGENERATION OF CHILDHOOD WITH LIVER DISEASE, PROGRESSIVE; Alpers Syndrome; ALPERS DIFFUSE DEGENERATION OF CEREBRAL GRAY MATTER WITH HEPATIC CIRRHOSIS; Alpers-Huttenlocher Syndrome; Mitochondrial DNA Depletion Syndrome 4A. Identifiers: Orphanet 726, MedGen C0205710, MONDO:0008758, OMIM 203700.

Submission:

Labcorp Genetics (formerly Invitae), Labcorp
Classification: Pathogenic for Progressive sclerosing poliodystrophy. Last evaluated: 2024-10-03. Review status: criteria provided, single submitter. Criteria: Invitae Variant Classification Sherloc (09022015). Collection method: clinical testing. Allele origin: germline.
Comment: This sequence change creates a premature translational stop signal (p.Ser1063Hisfs*5) in the POLG gene. It is expected to result in an absent or disrupted protein product. Loss-of-function variants in POLG are known to be pathogenic (PMID: 18546365). This variant is not present in population databases (gnomAD no frequency). This variant has not been reported in the literature in individuals affected with POLG-related conditions. For these reasons, this variant has been classified as Pathogenic.

Literature cited by the submitters: PubMed 18546365.